The following is an entry in ClinVar:

NM_001113378.2(FANCI):c.179C>G (p.Ala60Gly)

Gene: FANCI (FA complementation group I; plus strand). Cytogenetic location: 15q26.1.
Variant type: single nucleotide variant.
Coding change: c.179C>G on transcript NM_001113378.2 (MANE Select); coding-DNA position 179, C replaced by G.
Protein change: p.Ala60Gly; replaces alanine 60 with glycine.
Molecular consequence: missense variant. On other transcripts: 5 prime UTR variant (1).
Genome position (GRCh38, 1-based): chr15:89,260,734, C>G. VCF-style: chr15-89260734-C-G. GRCh37 (hg19) VCF-style: chr15-89803965-C-G.
Other names: c.-101C>G (NM_001376910.1); c.179C>G, p.Ala60Gly (NM_001376911.1, NM_018193.3); short protein forms A60G.
Identifiers: ClinVar variation 456196 (VCV000456196.8), dbSNP rs757018470, ClinGen allele CA7722527.

ClinVar aggregate classification (germline): Uncertain significance. Review status: criteria provided, multiple submitters, no conflicts (2 of 4 stars). 2 submissions from 2 submitters: Uncertain significance (2). Last evaluated 2024-12-31.

Conditions:
Fanconi anemia (FA). Also called: Fanconi's anemia. Identifiers: Orphanet 84, MedGen C0015625, MeSH D005199, MONDO:0019391.
Fanconi anemia complementation group I (FANCI). Also called: FANCI-Related Fanconi Anemia. Identifiers: Orphanet 84, MedGen C1836861, MONDO:0012186, OMIM 609053.

Allele frequency attached by ClinVar (database versions not stated): gnomAD exomes 0.00004; ExAC 0.00005.
gnomAD v4.1: 9 of 1,613,888 alleles (0.00056%); highest among the groups gnomAD compares: Admixed American, 0.013%; no homozygotes.

Submissions (2):

Labcorp Genetics (formerly Invitae), Labcorp
Classification: Uncertain significance for Fanconi anemia. Last evaluated: 2024-12-31. Review status: criteria provided, single submitter. Criteria: Invitae Variant Classification Sherloc (09022015). Collection method: clinical testing. Allele origin: germline.
Comment: This sequence change replaces alanine, which is neutral and non-polar, with glycine, which is neutral and non-polar, at codon 60 of the FANCI protein (p.Ala60Gly). This variant is present in population databases (rs757018470, gnomAD 0.02%). This variant has not been reported in the literature in individuals affected with FANCI-related conditions. ClinVar contains an entry for this variant (Variation ID: 456196). Invitae Evidence Modeling of protein sequence and biophysical properties (such as structural, functional, and spatial information, amino acid conservation, physicochemical variation, residue mobility, and thermodynamic stability) indicates that this missense variant is not expected to disrupt FANCI protein function with a negative predictive value of 80%. In summary, the available evidence is currently insufficient to determine the role of this variant in disease. Therefore, it has been classified as a Variant of Uncertain Significance.

Fulgent Genetics
Classification: Uncertain significance for Fanconi anemia complementation group I. Last evaluated: 2024-03-19. Review status: criteria provided, single submitter. Criteria: ACMG Guidelines, 2015. Collection method: clinical testing. Allele origin: germline.